The following is an entry in ClinVar:

NM_004562.3(PRKN):c.522C>T (p.Leu174=)

Genes: PRKN (parkin RBR E3 ubiquitin protein ligase; minus strand), LOC126859871 (MED14-independent group 3 enhancer GRCh37_chr6:162621359-162622558; plus strand). Cytogenetic location: 6q26.
Variant type: single nucleotide variant.
Coding change: c.522C>T on transcript NM_004562.3 (MANE Select); coding-DNA position 522, C replaced by T.
Protein change: p.Leu174=; no amino-acid change (leucine 174 retained).
Molecular consequence: synonymous variant. On other transcripts: intron variant (1).
Genome position (GRCh38, 1-based): chr6:162,201,143, G>A on the plus strand (C>T on the coding strand, the complement: PRKN is on the minus strand). VCF-style: chr6-162201143-G-A. GRCh37 (hg19) VCF-style: chr6-162622175-G-A.
Other names: c.522C>T, p.Leu174= (NM_013987.3); c.172-227726C>T (NM_013988.3).
Identifiers: ClinVar variation 356019 (VCV000356019.53), dbSNP rs147121590, ClinGen allele CA4090342.

ClinVar aggregate classification (germline): Conflicting classifications of pathogenicity. Review status: criteria provided, conflicting classifications (1 of 4 stars). 5 submissions from 5 submitters: Uncertain significance (2); Likely benign (3). Last evaluated 2025-12-29.

Conditions:
Autosomal recessive juvenile Parkinson disease 2. Also called: Parkinson disease autosomal recessive, early onset; Juvenile parkinsonism; Parkinsonism, early onset, with diurnal fluctuation; PRKN-Related Early-Onset Parkinson Disease; PARKINSON DISEASE, JUVENILE, AUTOSOMAL RECESSIVE; Parkinson disease, juvenile, type 2. Identifiers: Orphanet 2828, MedGen C1868675, MONDO:0010820, OMIM 600116.

Allele frequency attached by ClinVar (database versions not stated): 1000 Genomes Project 0.00040; 1000 Genomes Project 30x 0.00047; ExAC 0.00080; gnomAD exomes 0.00105 and 0.00211; ESP Exome Variant Server 0.00115; gnomAD 0.00115; TOPMed 0.00120.
gnomAD v4.1: 3,227 of 1,614,134 alleles (0.2%); highest among the groups gnomAD compares: Non-Finnish European, 0.26%; 6 homozygotes.

Submissions (5):

Labcorp Genetics (formerly Invitae), Labcorp
Classification: Likely benign. Last evaluated: 2025-12-29. Review status: criteria provided, single submitter. Criteria: Invitae Variant Classification Sherloc (09022015). Collection method: clinical testing. Allele origin: germline.

CeGaT Center for Human Genetics Tuebingen
Classification: Likely benign. Last evaluated: 2025-03-01. Review status: criteria provided, single submitter. Criteria: CeGaT Center For Human Genetics Tuebingen Variant Classification Criteria Version 2. Collection method: clinical testing. Allele origin: germline. Affected: yes. Observed: 4 variant alleles.
Comment: PRKN: BP4, BP7

Blueprint Genetics
Classification: Uncertain significance. Last evaluated: 2024-11-14. Review status: criteria provided, single submitter. Criteria: ACMG Guidelines, 2015. Collection method: clinical testing. Allele origin: germline.

GeneDx
Classification: Likely benign. Last evaluated: 2020-09-14. Review status: criteria provided, single submitter. Criteria: GeneDx Variant Classification Process June 2021. Collection method: clinical testing. Allele origin: germline. Affected: yes.

Illumina Laboratory Services, Illumina
Classification: Uncertain significance for Autosomal recessive juvenile Parkinson disease 2. Last evaluated: 2018-01-13. Review status: criteria provided, single submitter. Criteria: ICSL Variant Classification Criteria 13 December 2019. Collection method: clinical testing. Allele origin: germline.